The following is an entry in ClinVar:

NM_020297.4(ABCC9):c.3883G>A (p.Gly1295Ser)

Genes: ABCC9 (ATP binding cassette subfamily C member 9; minus strand), KCNJ8-AS1 (KCNJ8 antisense RNA 1; plus strand). Cytogenetic location: 12p12.1.
Variant type: single nucleotide variant.
Coding change: c.3883G>A on transcript NM_020297.4 (MANE Select); coding-DNA position 3883, G replaced by A.
Protein change: p.Gly1295Ser; replaces glycine 1295 with serine.
Molecular consequence: missense variant.
Genome position (GRCh38, 1-based): chr12:21,817,196, C>T on the plus strand (G>A on the coding strand, the complement: ABCC9 is on the minus strand). VCF-style: chr12-21817196-C-T. GRCh37 (hg19) VCF-style: chr12-21970130-C-T.
Other names: c.3883G>A, p.Gly1295Ser (NM_001377273.1, NM_005691.4); c.3016G>A, p.Gly1006Ser (NM_001377274.1); short protein forms G1295S, G1006S.
Identifiers: ClinVar variation 1482093 (VCV001482093.6), dbSNP rs2137187157, ClinGen allele CA384136369.
Genomic context (GRCh38, chr12:21,817,196, plus strand): 5'-ATTTGTTTAAAATAAATATTTAAGTGAGACAAACAATATTTAGAGCAATACCCATTGTGC[C>T]TTCATAGTTCTCTGACTCCATAGTCAGGAAACTGTTCACCTTCTTCACTGCACCCATCTG-3'
Protein context (NP_064693.2, residues 1285-1305): FLTMESENYE[Gly1295Ser]TMDPSQVPEH

ClinVar aggregate classification (germline): Uncertain significance (1 of 4 stars; one submission).

Conditions:
Dilated cardiomyopathy 1O (CMD1O). Also called: CARDIOMYOPATHY, DILATED, WITH VENTRICULAR TACHYCARDIA. Identifiers: Orphanet 154, MedGen C1837839, MONDO:0012062, OMIM 608569.

Allele frequency attached by ClinVar (database versions not stated): gnomAD exomes below 0.00001.
gnomAD v4.1: 1 of 1,613,602 alleles (0.000062%); highest among the groups gnomAD compares: Non-Finnish European, 0.000085%; no homozygotes.

Submission:

Labcorp Genetics (formerly Invitae), Labcorp
Classification: Uncertain significance for Dilated cardiomyopathy 1O. Last evaluated: 2022-08-09. Review status: criteria provided, single submitter. Criteria: Invitae Variant Classification Sherloc (09022015). Collection method: clinical testing. Allele origin: germline.
Comment: This sequence change replaces glycine, which is neutral and non-polar, with serine, which is neutral and polar, at codon 1295 of the ABCC9 protein (p.Gly1295Ser). This variant is not present in population databases (gnomAD no frequency). This variant has not been reported in the literature in individuals affected with ABCC9-related conditions. ClinVar contains an entry for this variant (Variation ID: 1482093). Algorithms developed to predict the effect of missense changes on protein structure and function are either unavailable or do not agree on the potential impact of this missense change (SIFT: "Tolerated"; PolyPhen-2: "Possibly Damaging"; Align-GVGD: "Class C0"). In summary, the available evidence is currently insufficient to determine the role of this variant in disease. Therefore, it has been classified as a Variant of Uncertain Significance.